The following is an entry in ClinVar:

ClinVar aggregate classification (germline): Pathogenic (1 of 4 stars; one submission).

Conditions:
Wilms tumor 1 (WT1). Also called: Wilms tumor, somatic. Identifiers: Orphanet 654, MedGen CN033288, MONDO:0008679, OMIM 194070.

Submission:

Labcorp Genetics (formerly Invitae), Labcorp
Classification: Pathogenic for Wilms tumor 1. Last evaluated: 2020-11-06. Review status: criteria provided, single submitter. Criteria: Invitae Variant Classification Sherloc (09022015). Collection method: clinical testing. Allele origin: germline.
Comment: Algorithms developed to predict the effect of sequence changes on RNA splicing suggest that this variant may disrupt the consensus splice site, but this prediction has not been confirmed by published transcriptional studies. For these reasons, this variant has been classified as Pathogenic. This variant has been observed in individual(s) with Simpson-Golabi-Behmel syndrome (PMID: 29637653). This variant is not present in population databases (ExAC no frequency). This sequence change affects a donor splice site in intron 1 of the GPC3 gene. It is expected to disrupt RNA splicing. Variants that disrupt the donor or acceptor splice site typically lead to a loss of protein function (PMID: 16199547), and loss-of-function variants in GPC3 are known to be pathogenic (PMID: 10402475, 12713262, 17603795).

Literature cited by the submitters: PubMed 29637653; PubMed 16199547; PubMed 10402475; PubMed 12713262; PubMed 17603795.

NM_004484.4(GPC3):c.175+2T>C

Gene: GPC3 (glypican 3; minus strand). Cytogenetic location: Xq26.2.
Variant type: single nucleotide variant.
Coding change: c.175+2T>C on transcript NM_004484.4 (MANE Select); the canonical splice donor site of the intron after coding-DNA position 175, T replaced by C.
Molecular consequence: splice donor variant.
Genome position (GRCh38, 1-based): chrX:133,985,273, A>G on the plus strand (T>C on the coding strand, the complement: GPC3 is on the minus strand). VCF-style: chrX-133985273-A-G. GRCh37 (hg19) VCF-style: chrX-133119300-A-G.
Other names: c.175+2T>C (NM_001164619.2, NM_001164618.2, NM_001164617.2).
Identifiers: ClinVar variation 1455474 (VCV001455474.8), dbSNP rs2124655627, ClinGen allele CA414706868.